The following is an entry in ClinVar:

NM_001733.7(C1R):c.1033A>C (p.Ile345Leu)

Gene: C1R (complement C1r; minus strand). Cytogenetic location: 12p13.31.
Variant type: single nucleotide variant.
Coding change: c.1033A>C on transcript NM_001733.7 (MANE Select); coding-DNA position 1033, A replaced by C.
Protein change: p.Ile345Leu; replaces isoleucine 345 with leucine.
Molecular consequence: missense variant.
Genome position (GRCh38, 1-based): chr12:7,088,615, T>G on the plus strand (A>C on the coding strand, the complement: C1R is on the minus strand). VCF-style: chr12-7088615-T-G. GRCh37 (hg19) VCF-style: chr12-7241211-T-G.
Other names: p.Ile345Leu; c.1075A>C, p.Ile359Leu (NM_001354346.2); short protein forms I345L, I359L.
Identifiers: ClinVar variation 1268134 (VCV001268134.5), dbSNP rs117402032, ClinGen allele CA6424054.

ClinVar aggregate classification (germline): Benign/Likely benign. Review status: criteria provided, multiple submitters, no conflicts (2 of 4 stars). 4 submissions from 4 submitters: Benign (3); Likely benign (1). Last evaluated 2026-01-21.

Allele frequency attached by ClinVar (database versions not stated): ESP Exome Variant Server 0.00090; ExAC 0.00732; gnomAD 0.00843 and 0.00927; gnomAD exomes 0.01080 and 0.02511; TOPMed 0.01632; 1000 Genomes Project 0.02057; 1000 Genomes Project 30x 0.02124.

Submissions (4):

Women's Health and Genetics/Laboratory Corporation of America, LabCorp
Classification: Likely benign. Last evaluated: 2026-01-21. Review status: criteria provided, single submitter. Criteria: LabCorp Variant Classification Summary - May 2015. Collection method: clinical testing. Allele origin: germline.

Mayo Clinic Laboratories, Mayo Clinic
Classification: Benign. Last evaluated: 2024-03-19. Review status: criteria provided, single submitter. Criteria: ACMG Guidelines, 2015. Collection method: clinical testing. Allele origin: germline. Observed: 7 variant alleles.
Comment: BA1, BS1, BS2, BP4

GeneDx
Classification: Benign. Last evaluated: 2021-05-04. Review status: criteria provided, single submitter. Criteria: GeneDx Variant Classification Process June 2021. Collection method: clinical testing. Allele origin: germline. Affected: yes.
Comment: This variant is associated with the following publications: (PMID: 33064175)

Breakthrough Genomics
Classification: Benign. Review status: criteria provided, single submitter. Criteria: ACMG Guidelines, 2015. Collection method: not provided. Allele origin: germline. Inheritance: Autosomal dominant inheritance. Affected: yes.